The following is an entry in ClinVar:

ClinVar aggregate classification (germline): Conflicting classifications of pathogenicity. Review status: criteria provided, conflicting classifications (1 of 4 stars). 2 submissions from 2 submitters: Uncertain significance (1); Likely benign (1). Last evaluated 2025-07-30.

Conditions:
Inborn genetic diseases. Identifiers: MedGen C0950123, MeSH D030342.
Familial episodic pain syndrome with predominantly lower limb involvement. Also called: Episodic pain syndrome, familial, 3. Identifiers: Orphanet 391384, Orphanet 391392, MedGen C3809899, MONDO:0014247, OMIM 615552.
Hereditary sensory and autonomic neuropathy type 7. Also called: HSAN VII; Neuropathy, hereditary sensory and autonomic, type VII. Identifiers: Orphanet 391397, MedGen C3809882, MONDO:0014244, OMIM 615548.

Allele frequency attached by ClinVar (database versions not stated): gnomAD 0.00009; TOPMed 0.00009; gnomAD exomes 0.00001.
gnomAD v4.1: 26 of 1,613,978 alleles (0.0016%); highest among the groups gnomAD compares: African/African-American, 0.023%; no homozygotes.

Submissions (2):

Labcorp Genetics (formerly Invitae), Labcorp
Classification: Uncertain significance for Familial episodic pain syndrome with predominantly lower limb involvement; Hereditary sensory and autonomic neuropathy type 7. Last evaluated: 2025-07-30. Review status: criteria provided, single submitter. Criteria: Invitae Variant Classification Sherloc (09022015). Collection method: clinical testing. Allele origin: germline.
Comment: This sequence change replaces arginine, which is basic and polar, with cysteine, which is neutral and slightly polar, at codon 638 of the SCN11A protein (p.Arg638Cys). This variant is present in population databases (rs768604445, gnomAD 0.03%). This variant has not been reported in the literature in individuals affected with SCN11A-related conditions. ClinVar contains an entry for this variant (Variation ID: 2379025). Invitae Evidence Modeling of protein sequence and biophysical properties (such as structural, functional, and spatial information, amino acid conservation, physicochemical variation, residue mobility, and thermodynamic stability) indicates that this missense variant is not expected to disrupt SCN11A protein function with a negative predictive value of 80%. In summary, the available evidence is currently insufficient to determine the role of this variant in disease. Therefore, it has been classified as a Variant of Uncertain Significance.

Ambry Genetics
Classification: Likely benign for Inborn genetic diseases. Last evaluated: 2022-01-26. Review status: criteria provided, single submitter. Criteria: Ambry Variant Classification Scheme 2023. Collection method: clinical testing. Allele origin: germline.

NM_001349253.2(SCN11A):c.1912C>T (p.Arg638Cys)

Gene: SCN11A (sodium voltage-gated channel alpha subunit 11; minus strand). Cytogenetic location: 3p22.2.
Variant type: single nucleotide variant.
Coding change: c.1912C>T on transcript NM_001349253.2 (MANE Select); coding-DNA position 1912, C replaced by T.
Protein change: p.Arg638Cys; replaces arginine 638 with cysteine.
Molecular consequence: missense variant.
Genome position (GRCh38, 1-based): chr3:38,900,004, G>A on the plus strand (C>T on the coding strand, the complement: SCN11A is on the minus strand). VCF-style: chr3-38900004-G-A. GRCh37 (hg19) VCF-style: chr3-38941495-G-A.
Other names: c.1912C>T, p.Arg638Cys (NM_014139.3); short protein forms R638C.
Identifiers: ClinVar variation 2379025 (VCV002379025.5), dbSNP rs768604445, ClinGen allele CA2322175.